The following is an entry in ClinVar:

ClinVar aggregate classification (germline): Uncertain significance (1 of 4 stars; one submission).

Conditions:
Inborn genetic diseases. Identifiers: MedGen C0950123, MeSH D030342.

Submission:

Ambry Genetics
Classification: Uncertain significance for Inborn genetic diseases. Last evaluated: 2023-07-12. Review status: criteria provided, single submitter. Criteria: Ambry Variant Classification Scheme 2023. Collection method: clinical testing. Allele origin: germline.
Comment: The p.S1272F variant (also known as c.3815C>T), located in coding exon 28 of the LRRK2 gene, results from a C to T substitution at nucleotide position 3815. The serine at codon 1272 is replaced by phenylalanine, an amino acid with highly dissimilar properties. This amino acid position is conserved. In addition, the in silico prediction for this alteration is inconclusive. Since supporting evidence is limited at this time, the clinical significance of this alteration remains unclear.

NM_198578.4(LRRK2):c.3815C>T (p.Ser1272Phe)

Gene: LRRK2 (leucine rich repeat kinase 2; plus strand). Cytogenetic location: 12q12.
Variant type: single nucleotide variant.
Coding change: c.3815C>T on transcript NM_198578.4 (MANE Select); coding-DNA position 3815, C replaced by T.
Protein change: p.Ser1272Phe; replaces serine 1272 with phenylalanine.
Molecular consequence: missense variant.
Genome position (GRCh38, 1-based): chr12:40,305,822, C>T. VCF-style: chr12-40305822-C-T. GRCh37 (hg19) VCF-style: chr12-40699624-C-T.
Other names: short protein forms S1272F.
Identifiers: ClinVar variation 2587258 (VCV002587258.2), dbSNP rs2499794537, ClinGen allele CA384417104.
Genomic context (GRCh38, chr12:40,305,822, plus strand): 5'-TTGCCCTTTTTTTTCCCATTAAGATTCCTCCTGAGATTGGCTGTCTTGAAAATCTGACAT[C>T]TCTGGATGTCAGTTACAACTTGGAACTAAGATCCTTTCCCAATGAAATGGGGAAATTAAG-3'
Protein context (NP_940980.4, residues 1262-1282): PEIGCLENLT[Ser1272Phe]LDVSYNLELR